The following is an entry in ClinVar:

NM_002907.4(RECQL):c.1831G>C (p.Gly611Arg)

Genes: PYROXD1 (pyridine nucleotide-disulphide oxidoreductase domain 1; plus strand), RECQL (RecQ like helicase; minus strand). Cytogenetic location: 12p12.1.
Variant type: single nucleotide variant.
Coding change: c.1831G>C on transcript NM_002907.4 (MANE Select); coding-DNA position 1831, G replaced by C.
Protein change: p.Gly611Arg; replaces glycine 611 with arginine.
Molecular consequence: missense variant. On other transcripts: 3 prime UTR variant (3).
Genome position (GRCh38, 1-based): chr12:21,470,313, C>G on the plus strand (G>C on the coding strand, the complement: RECQL is on the minus strand). VCF-style: chr12-21470313-C-G. GRCh37 (hg19) VCF-style: chr12-21623247-C-G.
Other names: c.1831G>C, p.Gly611Arg (NM_032941.3); c.*1559C>G (NM_001350912.2, NM_001350913.2, NM_024854.5); short protein forms G611R.
Identifiers: ClinVar variation 1309775 (VCV001309775.13), dbSNP rs541752188, ClinGen allele CA6478606.

ClinVar aggregate classification (germline): Uncertain significance. Review status: criteria provided, multiple submitters, no conflicts (2 of 4 stars). 4 submissions from 4 submitters: Uncertain significance (4). Last evaluated 2025-01-25.

Allele frequency attached by ClinVar (database versions not stated): gnomAD exomes below 0.00001 and 0.00001; ExAC 0.00001; gnomAD 0.00001; 1000 Genomes Project 0.00020; 1000 Genomes Project 30x 0.00031.
gnomAD v4.1: 2 of 1,581,056 alleles (0.00013%); highest among the groups gnomAD compares: Admixed American, 0.0036%; no homozygotes.

Submissions (4):

Ambry Genetics
Classification: Uncertain significance. Last evaluated: 2025-01-25. Review status: criteria provided, single submitter. Criteria: Ambry Variant Classification Scheme 2023. Collection method: clinical testing. Allele origin: germline.
Comment: The p.G611R variant (also known as c.1831G>C), located in coding exon 14 of the RECQL gene, results from a G to C substitution at nucleotide position 1831. The glycine at codon 611 is replaced by arginine, an amino acid with dissimilar properties. This amino acid position is conserved. In addition, this alteration is predicted to be tolerated by in silico analysis. Since supporting evidence is limited at this time, the clinical significance of this alteration remains unclear.

Quest Diagnostics Nichols Institute San Juan Capistrano
Classification: Uncertain significance. Last evaluated: 2023-12-26. Review status: criteria provided, single submitter. Criteria: Quest Diagnostics criteria. Collection method: clinical testing. Allele origin: unknown.
Comment: The RECQL c.1831G>C (p.Gly611Arg) variant has not been reported in individuals with RECQL-related conditions in the published literature. The frequency of this variant in the general population, 0.0000099 (2/202994 chromosomes (Genome Aggregation Database)), is uninformative in the assessment of its pathogenicity. Analysis of this variant using bioinformatics tools for the prediction of the effect of amino acid changes on protein structure and function yielded predictions that this variant is benign. Based on the available information, we are unable to determine the clinical significance of this variant.

Labcorp Genetics (formerly Invitae), Labcorp
Classification: Uncertain significance. Last evaluated: 2022-10-05. Review status: criteria provided, single submitter. Criteria: Invitae Variant Classification Sherloc (09022015). Collection method: clinical testing. Allele origin: germline.
Comment: This variant is present in population databases (rs541752188, gnomAD 0.007%). In summary, the available evidence is currently insufficient to determine the role of this variant in disease. Therefore, it has been classified as a Variant of Uncertain Significance. Algorithms developed to predict the effect of missense changes on protein structure and function (SIFT, PolyPhen-2, Align-GVGD) all suggest that this variant is likely to be tolerated. ClinVar contains an entry for this variant (Variation ID: 1309775). This variant has not been reported in the literature in individuals affected with RECQL-related conditions. This sequence change replaces glycine, which is neutral and non-polar, with arginine, which is basic and polar, at codon 611 of the RECQL protein (p.Gly611Arg).

GeneDx
Classification: Uncertain significance. Last evaluated: 2019-10-23. Review status: criteria provided, single submitter. Criteria: GeneDx Variant Classification Process June 2021. Collection method: clinical testing. Allele origin: germline. Affected: yes.
Comment: Not observed at a significant frequency in large population cohorts (Lek et al., 2016); In silico analysis, which includes protein predictors and evolutionary conservation, supports that this variant does not alter protein structure/function; Has not been previously published as pathogenic or benign to our knowledge